The following is an entry in ClinVar:

NM_020458.4(TTC7A):c.769A>G (p.Ile257Val)

Gene: TTC7A (tetratricopeptide repeat domain 7A; plus strand). Cytogenetic location: 2p21.
Variant type: single nucleotide variant.
Coding change: c.769A>G on transcript NM_020458.4 (MANE Select); coding-DNA position 769, A replaced by G.
Protein change: p.Ile257Val; replaces isoleucine 257 with valine.
Molecular consequence: missense variant. On other transcripts: 5 prime UTR variant (1).
Genome position (GRCh38, 1-based): chr2:46,993,454, A>G. VCF-style: chr2-46993454-A-G. GRCh37 (hg19) VCF-style: chr2-47220593-A-G.
Other names: c.769A>G, p.Ile257Val (NM_001288951.2); c.667A>G, p.Ile223Val (NM_001288953.2); c.-136A>G (NM_001288955.2); short protein forms I257V, I223V.
Identifiers: ClinVar variation 1899740 (VCV001899740.5), dbSNP rs1675830123, ClinGen allele CA346713133.
Genomic context (GRCh38, chr2:46,993,454, plus strand): 5'-ATCCTTCTTTGCGAGCTAGGCTGGTAACAAATCTACTTCTGCCGTCCTCCCACCAGGAAC[A>G]TCGTGAAGGGCATGAGAGAGCTCCGGGAGGTGCTGCGGACTGTGGAGACCAAAGCAACTC-3'
Protein context (NP_065191.2, residues 247-267): AYVKNLKKGN[Ile257Val]VKGMRELREV

ClinVar aggregate classification (germline): Uncertain significance (1 of 4 stars; one submission).

Conditions:
Multiple gastrointestinal atresias. Also called: Multiple intestinal atresia; FAMILIAL INTESTINAL POLYATRESIA SYNDROME. Identifiers: Orphanet 2300, MedGen C0220744, MONDO:0009465.

Allele frequency attached by ClinVar (database versions not stated): TOPMed 0.00001.

Submission:

Labcorp Genetics (formerly Invitae), Labcorp
Classification: Uncertain significance for Multiple gastrointestinal atresias. Last evaluated: 2022-06-26. Review status: criteria provided, single submitter. Criteria: Invitae Variant Classification Sherloc (09022015). Collection method: clinical testing. Allele origin: germline.
Comment: This sequence change replaces isoleucine, which is neutral and non-polar, with valine, which is neutral and non-polar, at codon 257 of the TTC7A protein (p.Ile257Val). This variant is not present in population databases (gnomAD no frequency). In summary, the available evidence is currently insufficient to determine the role of this variant in disease. Therefore, it has been classified as a Variant of Uncertain Significance. This variant has not been reported in the literature in individuals affected with TTC7A-related conditions. Algorithms developed to predict the effect of missense changes on protein structure and function output the following: SIFT: "Tolerated"; PolyPhen-2: "Benign"; Align-GVGD: "Class C0". The valine amino acid residue is found in multiple mammalian species, which suggests that this missense change does not adversely affect protein function.